The following is an entry in ClinVar:

NM_001040108.2(MLH3):c.1152C>T (p.Ser384=)

Gene: MLH3 (mutL homolog 3; minus strand). Cytogenetic location: 14q24.3.
Variant type: single nucleotide variant.
Coding change: c.1152C>T on transcript NM_001040108.2 (MANE Select); coding-DNA position 1152, C replaced by T.
Protein change: p.Ser384=; no amino-acid change (serine 384 retained).
Molecular consequence: synonymous variant.
Genome position (GRCh38, 1-based): chr14:75,048,504, G>A on the plus strand (C>T on the coding strand, the complement: MLH3 is on the minus strand). VCF-style: chr14-75048504-G-A. GRCh37 (hg19) VCF-style: chr14-75515207-G-A.
Other names: c.1152C>T, p.Ser384= (NM_014381.3).
Identifiers: ClinVar variation 701111 (VCV000701111.14), dbSNP rs752741447, ClinGen allele CA7275916.

ClinVar aggregate classification (germline): Conflicting classifications of pathogenicity. Review status: criteria provided, conflicting classifications (1 of 4 stars). 5 submissions from 5 submitters: Uncertain significance (1); Benign (1); Likely benign (2). 1 of the submissions does not count toward it. Last evaluated 2026-04-29.

Conditions:
Endometrial carcinoma. Also called: Endometrial carcinoma, somatic. Identifiers: MedGen C0476089, MONDO:0002447, OMIM 608089, HP:0012114.
Colorectal cancer, hereditary nonpolyposis, type 7. Identifiers: Orphanet 144, MedGen C1858380, MONDO:0013725, OMIM 614385.
Colorectal cancer. Also called: Colorectal cancer, somatic; Malignant Colorectal Neoplasm. Identifiers: MedGen C0346629, MONDO:0005575, OMIM 114500.
MLH3-related disorder. Also called: MLH3-related condition.

Allele frequency attached by ClinVar (database versions not stated): gnomAD 0.00001; gnomAD exomes 0.00001 and 0.00002; TOPMed 0.00003; ExAC 0.00001.
gnomAD v4.1: 17 of 1,612,814 alleles (0.0011%); highest among the groups gnomAD compares: Middle Eastern, 0.016%; no homozygotes.

Submissions (5):

Myriad Genetics, Inc.
Classification: Benign for Colorectal cancer, hereditary nonpolyposis, type 7. Last evaluated: 2026-04-29. Review status: criteria provided, single submitter. Criteria: Myriad Autosomal Dominant, Autosomal Recessive and X-Linked Classification Criteria (2023). Collection method: clinical testing. Allele origin: unknown.
Comment: This variant is considered benign. This variant is a silent/synonymous amino acid change and it is not expected to impact splicing.

Department of Pathology and Laboratory Medicine, Sinai Health System
Classification: Uncertain significance for Colorectal cancer; Endometrial carcinoma; Colorectal cancer, hereditary nonpolyposis, type 7. Last evaluated: 2023-11-09. Review status: criteria provided, single submitter. Criteria: ACMG Guidelines, 2015. Collection method: clinical testing. Allele origin: germline. Affected: no.

Labcorp Genetics (formerly Invitae), Labcorp
Classification: Likely benign for Colorectal cancer, hereditary nonpolyposis, type 7. Last evaluated: 2022-08-05. Review status: criteria provided, single submitter. Criteria: Invitae Variant Classification Sherloc (09022015). Collection method: clinical testing. Allele origin: germline.

Ambry Genetics
Classification: Likely benign. Last evaluated: 2021-07-14. Review status: criteria provided, single submitter. Criteria: Ambry Variant Classification Scheme 2023. Collection method: clinical testing. Allele origin: germline.

PreventionGenetics, part of Exact Sciences
Classification: Likely benign for MLH3-related condition. Last evaluated: 2024-09-24. Review status: no assertion criteria provided. Collection method: clinical testing. Allele origin: germline. Not counted in ClinVar's aggregate classification.
Comment: This variant is classified as likely benign based on ACMG/AMP sequence variant interpretation guidelines (Richards et al. 2015 PMID: 25741868, with internal and published modifications).